The following is an entry in ClinVar:

ClinVar aggregate classification (germline): Uncertain significance (1 of 4 stars; one submission).

Conditions:
Colorectal cancer, hereditary nonpolyposis, type 7. Identifiers: Orphanet 144, MedGen C1858380, MONDO:0013725, OMIM 614385.

Submission:

Labcorp Genetics (formerly Invitae), Labcorp
Classification: Uncertain significance for Colorectal cancer, hereditary nonpolyposis, type 7. Last evaluated: 2021-05-10. Review status: criteria provided, single submitter. Criteria: Invitae Variant Classification Sherloc (09022015). Collection method: clinical testing. Allele origin: germline.
Comment: In summary, the available evidence is currently insufficient to determine the role of this variant in disease. Therefore, it has been classified as a Variant of Uncertain Significance. Algorithms developed to predict the effect of missense changes on protein structure and function (SIFT, PolyPhen-2, Align-GVGD) all suggest that this variant is likely to be tolerated, but these predictions have not been confirmed by published functional studies and their clinical significance is uncertain. This variant has not been reported in the literature in individuals with MLH3-related conditions. This variant is not present in population databases (ExAC no frequency). This sequence change replaces glutamic acid with glycine at codon 530 of the MLH3 protein (p.Glu530Gly). The glutamic acid residue is weakly conserved and there is a moderate physicochemical difference between glutamic acid and glycine.

NM_001040108.2(MLH3):c.1589A>G (p.Glu530Gly)

Gene: MLH3 (mutL homolog 3; minus strand). Cytogenetic location: 14q24.3.
Variant type: single nucleotide variant.
Coding change: c.1589A>G on transcript NM_001040108.2 (MANE Select); coding-DNA position 1589, A replaced by G.
Protein change: p.Glu530Gly; replaces glutamic acid 530 with glycine.
Molecular consequence: missense variant.
Genome position (GRCh38, 1-based): chr14:75,048,067, T>C on the plus strand (A>G on the coding strand, the complement: MLH3 is on the minus strand). VCF-style: chr14-75048067-T-C. GRCh37 (hg19) VCF-style: chr14-75514770-T-C.
Other names: c.1589A>G, p.Glu530Gly (NM_014381.3); short protein forms E530G.
Identifiers: ClinVar variation 1427056 (VCV001427056.8), dbSNP rs2139580147, ClinGen allele CA390444948.